The following is an entry in ClinVar:

ClinVar aggregate classification (germline): Uncertain significance (1 of 4 stars; one submission).

Conditions:
Leber-like hereditary optic neuropathy, autosomal recessive 1 (LHONAR1). Also called: MITOCHONDRIAL COMPLEX I DEFICIENCY, NUCLEAR TYPE 38. Identifiers: MedGen CN376811, MONDO:0958183, OMIM 619382.

Allele frequency attached by ClinVar (database versions not stated): ExAC 0.00001.

Submission:

Diagnostics Services (NGS), CSIR - Centre For Cellular And Molecular Biology
Classification: Uncertain significance for Leber-like hereditary optic neuropathy, autosomal recessive 1. Last evaluated: 2024-06-10. Review status: criteria provided, single submitter. Criteria: ACMG Guidelines, 2015. Collection method: clinical testing. Allele origin: germline. Affected: yes. Observed: 1 variant allele, 1 homozygote.
Comment: The c.233C>G variants are not present in publicly available population databases like 1000 Genomes, EVS, Indian Exome Database or our in-house exome database. This variant is present in ExAC and gnomAD at low frequencies. This variant has neither been published in literature with DNAJC30-related conditions nor reported to clinical databases like ClinVar, Human Genome Mutation Database (HGMD) or OMIM, in any affected individuals. In-silico pathogenicity programs like SIFT, PolyPhen-2, MutationTaster2, CADD etc predicted this variant to be likely deleterious, however these predictions were not confirmed by published functional studies. A different amino acid change in the same codon (Pro78Ser) has been previously observed in affected individuals [PMID: 33465056] and reported to the clinical databases as ‘Pathogenic’.

NM_032317.3(DNAJC30):c.233C>G (p.Pro78Arg)

Gene: DNAJC30 (DnaJ heat shock protein family (Hsp40) member C30; minus strand). Cytogenetic location: 7q11.23.
Variant type: single nucleotide variant.
Coding change: c.233C>G on transcript NM_032317.3 (MANE Select); coding-DNA position 233, C replaced by G.
Protein change: p.Pro78Arg; replaces proline 78 with arginine.
Molecular consequence: missense variant.
Genome position (GRCh38, 1-based): chr7:73,683,191, G>C on the plus strand (C>G on the coding strand, the complement: DNAJC30 is on the minus strand). VCF-style: chr7-73683191-G-C. GRCh37 (hg19) VCF-style: chr7-73097521-G-C.
Other names: short protein forms P78R.
Identifiers: ClinVar variation 3251975 (VCV003251975.1), dbSNP rs782695672.
Genomic context (GRCh38, chr7:73,683,191, plus strand): 5'-TAGGCCTGGGAGATGCGCGTGAAGCGCTCGGCGGCCTCCGCGCTCCCGGAGTTGCGGTCC[G>C]GGTGGTAGAGAAAGCACTGACGGTAGTAAGCCGCCTTGATTTGGGCCTGCGTGGCTGTGG-3'
Protein context (NP_115693.2, residues 68-88): AYYRQCFLYH[Pro78Arg]DRNSGSAEAA